The following is an entry in ClinVar:

ClinVar aggregate classification (germline): Uncertain significance. Review status: criteria provided, multiple submitters, no conflicts (2 of 4 stars). 2 submissions from 2 submitters: Uncertain significance (2). Last evaluated 2025-04-23.

Conditions:
Cardiovascular phenotype. Identifiers: MedGen CN230736.
Hereditary cancer-predisposing syndrome. Also called: Neoplastic Syndromes, Hereditary; Tumor predisposition; Hereditary neoplastic syndrome; Hereditary Cancer Syndrome. Identifiers: Orphanet 140162, MedGen C0027672, MeSH D009386, MONDO:0015356.
Neurofibromatosis, type 1 (NF1). Also called: Peripheral type neurofibromatosis; VON RECKLINGHAUSEN DISEASE; NEUROFIBROMATOSIS, TYPE I, SOMATIC; Neurofibromatosis, type I. Identifiers: Orphanet 636, MedGen C0027831, MONDO:0018975, OMIM 162200. Disease mechanism: loss of function.

Submissions (2):

Labcorp Genetics (formerly Invitae), Labcorp
Classification: Uncertain significance for Neurofibromatosis, type 1. Last evaluated: 2025-04-23. Review status: criteria provided, single submitter. Criteria: Invitae Variant Classification Sherloc (09022015). Collection method: clinical testing. Allele origin: germline.
Comment: This sequence change replaces lysine, which is basic and polar, with methionine, which is neutral and non-polar, at codon 2028 of the NF1 protein (p.Lys2028Met). This variant is not present in population databases (gnomAD no frequency). This variant has not been reported in the literature in individuals affected with NF1-related conditions. ClinVar contains an entry for this variant (Variation ID: 1751460). An algorithm developed to predict the effect of missense changes on protein structure and function (PolyPhen-2) suggests that this variant is likely to be disruptive. In summary, the available evidence is currently insufficient to determine the role of this variant in disease. Therefore, it has been classified as a Variant of Uncertain Significance.

Ambry Genetics
Classification: Uncertain significance for Cardiovascular phenotype; Hereditary cancer-predisposing syndrome. Last evaluated: 2022-02-26. Review status: criteria provided, single submitter. Criteria: Ambry Variant Classification Scheme 2023. Collection method: clinical testing. Allele origin: germline.
Comment: The p.K2028M variant (also known as c.6083A>T), located in coding exon 40 of the NF1 gene, results from an A to T substitution at nucleotide position 6083. The lysine at codon 2028 is replaced by methionine, an amino acid with similar properties. This amino acid position is conserved. In addition, this alteration is predicted to be deleterious by in silico analysis. Since supporting evidence is limited at this time, the clinical significance of this alteration remains unclear.

NM_001042492.3(NF1):c.6146A>T (p.Lys2049Met)

Gene: NF1 (neurofibromin 1; plus strand). Cytogenetic location: 17q11.2.
Variant type: single nucleotide variant.
Coding change: c.6146A>T on transcript NM_001042492.3 (MANE Select); coding-DNA position 6146, A replaced by T.
Protein change: p.Lys2049Met; replaces lysine 2049 with methionine.
Molecular consequence: missense variant.
Genome position (GRCh38, 1-based): chr17:31,336,472, A>T. VCF-style: chr17-31336472-A-T. GRCh37 (hg19) VCF-style: chr17-29663490-A-T.
Other names: c.6083A>T, p.Lys2028Met (NM_000267.4); short protein forms K2028M, K2049M.
Identifiers: ClinVar variation 1751460 (VCV001751460.7), dbSNP rs2151553618, ClinGen allele CA399011586.
Genomic context (GRCh38, chr17:31,336,472, plus strand): 5'-AGGTGATGGCAGATACTGCTGTAGCTTTGGCTTCTGGAAATGTGAAATTGGTTTCAAGCA[A>T]GGTAATCACTTTTCTTTTGCCTTCTGTACTATAGCATATCTGTTTTATCATCAGGAGGTT-3'
Protein context (NP_001035957.1, residues 2039-2059): ASGNVKLVSS[Lys2049Met]VIGRMCKIID